The following is an entry in ClinVar:

NM_198253.3(TERT):c.3126C>T (p.Leu1042=)

Gene: TERT (telomerase reverse transcriptase; minus strand). Cytogenetic location: 5p15.33.
Variant type: single nucleotide variant.
Coding change: c.3126C>T on transcript NM_198253.3 (MANE Select); coding-DNA position 3126, C replaced by T.
Protein change: p.Leu1042=; no amino-acid change (leucine 1042 retained).
Molecular consequence: synonymous variant. On other transcripts: non-coding transcript variant (2).
Genome position (GRCh38, 1-based): chr5:1,255,318, G>A on the plus strand (C>T on the coding strand, the complement: TERT is on the minus strand). VCF-style: chr5-1255318-G-A. GRCh37 (hg19) VCF-style: chr5-1255433-G-A.
Other names: c.2937C>T, p.Leu979= (NM_001193376.3).
Identifiers: ClinVar variation 698482 (VCV000698482.17), dbSNP rs377570406, ClinGen allele CA3184278.

ClinVar aggregate classification (germline): Likely benign. Review status: criteria provided, multiple submitters, no conflicts (2 of 4 stars). 5 submissions from 5 submitters: Likely benign (4). 1 of the submissions does not count toward it. Last evaluated 2026-05-04.

Conditions:
Dyskeratosis congenita. Identifiers: Orphanet 1775, MedGen C0265965, MONDO:0015780.
TERT-related disorder. Also called: TERT-related condition; TERT-related disorders.
Idiopathic Pulmonary Fibrosis. Also called: Idiopathic fibrosing alveolitis, chronic form; idiopathic fibrosing alveolitis. Identifiers: Orphanet 2032, MedGen C1800706, MeSH D054990, MONDO:0800504.
Dyskeratosis congenita, autosomal dominant 2. Identifiers: MedGen C3151443, MONDO:0013521, OMIM 613989.

Allele frequency attached by ClinVar (database versions not stated): gnomAD 0.00002 and 0.00003; TOPMed 0.00002; ExAC 0.00003; gnomAD exomes 0.00003 and 0.00007; ESP Exome Variant Server 0.00016.
gnomAD v4.1: 102 of 1,614,072 alleles (0.0063%); highest among the groups gnomAD compares: Non-Finnish European, 0.0081%; no homozygotes.

Submissions (5):

Women's Health and Genetics/Laboratory Corporation of America, LabCorp
Classification: Likely benign. Last evaluated: 2026-05-04. Review status: criteria provided, single submitter. Criteria: LabCorp Variant Classification Summary - May 2015. Collection method: clinical testing. Allele origin: germline.

Labcorp Genetics (formerly Invitae), Labcorp
Classification: Likely benign for Dyskeratosis congenita, autosomal dominant 2; Idiopathic Pulmonary Fibrosis. Last evaluated: 2026-01-06. Review status: criteria provided, single submitter. Criteria: Invitae Variant Classification Sherloc (09022015). Collection method: clinical testing. Allele origin: germline.

Ambry Genetics
Classification: Likely benign for Dyskeratosis congenita. Last evaluated: 2022-03-07. Review status: criteria provided, single submitter. Criteria: Ambry Variant Classification Scheme 2023. Collection method: clinical testing. Allele origin: germline.

GeneDx
Classification: Likely benign. Last evaluated: 2021-03-23. Review status: criteria provided, single submitter. Criteria: GeneDx Variant Classification Process June 2021. Collection method: clinical testing. Allele origin: germline. Affected: yes.
Comment: See Variant Classification Assertion Criteria.

PreventionGenetics, part of Exact Sciences
Classification: Likely benign for TERT-related condition. Last evaluated: 2023-04-19. Review status: no assertion criteria provided. Collection method: clinical testing. Allele origin: germline. Not counted in ClinVar's aggregate classification.
Comment: This variant is classified as likely benign based on ACMG/AMP sequence variant interpretation guidelines (Richards et al. 2015 PMID: 25741868, with internal and published modifications).